The following is an entry in ClinVar:

NM_001482.3(GATM):c.464C>G (p.Thr155Ser)

Gene: GATM (glycine amidinotransferase; minus strand). Cytogenetic location: 15q21.1.
Variant type: single nucleotide variant.
Coding change: c.464C>G on transcript NM_001482.3 (MANE Select); coding-DNA position 464, C replaced by G.
Protein change: p.Thr155Ser; replaces threonine 155 with serine.
Molecular consequence: missense variant.
Genome position (GRCh38, 1-based): chr15:45,369,346, G>C on the plus strand (C>G on the coding strand, the complement: GATM is on the minus strand). VCF-style: chr15-45369346-G-C. GRCh37 (hg19) VCF-style: chr15-45661544-G-C.
Other names: c.77C>G, p.Thr26Ser (NM_001321015.2); short protein forms T155S, T26S.
Identifiers: ClinVar variation 2696754 (VCV002696754.3), dbSNP rs2541994017, ClinGen allele CA392261509.

ClinVar aggregate classification (germline): Uncertain significance (1 of 4 stars; one submission).

Conditions:
Arginine:glycine amidinotransferase deficiency (CCDS3). Also called: Cerebral creatine deficiency syndrome 3; AGAT deficiency; L-Arginine:Glycine Amidinotransferase Deficiency; Creatine deficiency syndrome due to AGAT deficiency; GATM deficiency; L-Arginine:Glycine Amidinotransferase (AGAT) Deficiency. Identifiers: Orphanet 35704, MedGen C2675179, MONDO:0012996, OMIM 612718.

Submission:

Labcorp Genetics (formerly Invitae), Labcorp
Classification: Uncertain significance for Arginine:glycine amidinotransferase deficiency. Last evaluated: 2023-12-11. Review status: criteria provided, single submitter. Criteria: Invitae Variant Classification Sherloc (09022015). Collection method: clinical testing. Allele origin: germline.
Comment: This sequence change replaces threonine, which is neutral and polar, with serine, which is neutral and polar, at codon 155 of the GATM protein (p.Thr155Ser). This variant is not present in population databases (gnomAD no frequency). This variant has not been reported in the literature in individuals affected with GATM-related conditions. Advanced modeling of protein sequence and biophysical properties (such as structural, functional, and spatial information, amino acid conservation, physicochemical variation, residue mobility, and thermodynamic stability) performed at Invitae indicates that this missense variant is not expected to disrupt GATM protein function with a negative predictive value of 80%. In summary, the available evidence is currently insufficient to determine the role of this variant in disease. Therefore, it has been classified as a Variant of Uncertain Significance.